The following is an entry in ClinVar:

ClinVar aggregate classification (germline): Uncertain significance. Review status: criteria provided, multiple submitters, no conflicts (2 of 4 stars). 5 submissions from 5 submitters: Uncertain significance (5). Last evaluated 2026-01-24.

Conditions:
Acrocallosal syndrome (ACLS). Also called: Schinzel syndrome 1; Absence of corpus callosum with unusual facial appearance, mental deficiency, duplication of the halluces and polydactyly; HALLUX DUPLICATION, POSTAXIAL POLYDACTYLY, AND ABSENCE OF CORPUS CALLOSUM. Identifiers: Orphanet 36, MedGen C0796147, MONDO:0008708, OMIM 200990.
Hydrolethalus syndrome 2 (HLS2). Identifiers: Orphanet 2189, MedGen C3279899, MONDO:0013585, OMIM 614120.
Multiple epiphyseal dysplasia, Al-Gazali type. Also called: Macrocephaly with multiple epiphyseal dysplasia and distinctive facies. Identifiers: Orphanet 166024, MedGen C1846722, MONDO:0011778, OMIM 607131.
Inborn genetic diseases. Identifiers: MedGen C0950123, MeSH D030342.

Allele frequency attached by ClinVar (database versions not stated): TOPMed 0.00003; gnomAD 0.00006; ESP Exome Variant Server 0.00008; gnomAD exomes 0.00010; ExAC 0.00014; 1000 Genomes Project 30x 0.00016; 1000 Genomes Project 0.00020.
gnomAD v4.1: 85 of 1,605,300 alleles (0.0053%); highest among the groups gnomAD compares: South Asian, 0.03%; no homozygotes.

Submissions (5):

Labcorp Genetics (formerly Invitae), Labcorp
Classification: Uncertain significance for Acrocallosal syndrome. Last evaluated: 2026-01-24. Review status: criteria provided, single submitter. Criteria: Invitae Variant Classification Sherloc (09022015). Collection method: clinical testing. Allele origin: germline.
Comment: This sequence change replaces arginine, which is basic and polar, with cysteine, which is neutral and slightly polar, at codon 892 of the KIF7 protein (p.Arg892Cys). This variant is present in population databases (rs146368430, gnomAD 0.03%). This variant has not been reported in the literature in individuals affected with KIF7-related conditions. ClinVar contains an entry for this variant (Variation ID: 1401993). Invitae Evidence Modeling of protein sequence and biophysical properties (such as structural, functional, and spatial information, amino acid conservation, physicochemical variation, residue mobility, and thermodynamic stability) indicates that this missense variant is not expected to disrupt KIF7 protein function with a negative predictive value of 80%. In summary, the available evidence is currently insufficient to determine the role of this variant in disease. Therefore, it has been classified as a Variant of Uncertain Significance.

Ambry Genetics
Classification: Uncertain significance for Inborn genetic diseases. Last evaluated: 2024-08-28. Review status: criteria provided, single submitter. Criteria: Ambry Variant Classification Scheme 2023. Collection method: clinical testing. Allele origin: germline.

Fulgent Genetics
Classification: Uncertain significance for Acrocallosal syndrome; Multiple epiphyseal dysplasia, Al-Gazali type; Hydrolethalus syndrome 2. Last evaluated: 2024-02-02. Review status: criteria provided, single submitter. Criteria: ACMG Guidelines, 2015. Collection method: clinical testing. Allele origin: germline.

Blueprint Genetics
Classification: Uncertain significance. Last evaluated: 2023-10-27. Review status: criteria provided, single submitter. Criteria: ACMG Guidelines, 2015. Collection method: clinical testing. Allele origin: germline.

Victorian Clinical Genetics Services, Murdoch Childrens Research Institute
Classification: Uncertain significance for Acrocallosal syndrome. Last evaluated: 2020-05-25. Review status: criteria provided, single submitter. Criteria: ACMG Guidelines, 2015. Collection method: clinical testing. Allele origin: germline. Inheritance: Autosomal recessive inheritance.
Comment: A heterozygous missense variant was identified, NM_198525.2(KIF7):c.2674C>T in exon 13 of 19 of the KIF7 gene. This substitution is predicted to create a major amino acid change from an arginine to a cysteine at position 892 of the protein; NP_940927.2(KIF7):p.(Arg892Cys). The arginine at this position has high conservation (100 vertebrates, UCSC), and is located within the coiled-coil region of the SMC superfamily (NCBI, PDB, UniProt). In silico software predicts this variant to be damaging (Polyphen, SIFT, CADD, Mutation Taster). The variant is present in the gnomAD population database at a global population frequency of 0.01% (27 heterozygotes, 0 homozygotes) with a European sub-population frequency of 0.013%. An alternative residue change at the same location has been reported in the gnomAD database at a frequency of 0.02%. This variant has not previously been reported in clinical cases. Based on information available at the time of curation, this variant has been classified as a VUS with POTENTIAL CLINICAL RELEVANCE.

NM_198525.3(KIF7):c.2674C>T (p.Arg892Cys)

Gene: KIF7 (kinesin family member 7; minus strand). Cytogenetic location: 15q26.1.
Variant type: single nucleotide variant.
Coding change: c.2674C>T on transcript NM_198525.3 (MANE Select); coding-DNA position 2674, C replaced by T.
Protein change: p.Arg892Cys; replaces arginine 892 with cysteine.
Molecular consequence: missense variant.
Genome position (GRCh38, 1-based): chr15:89,633,185, G>A on the plus strand (C>T on the coding strand, the complement: KIF7 is on the minus strand). VCF-style: chr15-89633185-G-A. GRCh37 (hg19) VCF-style: chr15-90176416-G-A.
Other names: short protein forms R892C.
Identifiers: ClinVar variation 1401993 (VCV001401993.12), dbSNP rs146368430, ClinGen allele CA7728047.
Genomic context (GRCh38, chr15:89,633,185, plus strand): 5'-CACAGCCTGGCCCCACCTGCTGCTGTTCCAGGCTGACCACAGAGCCGTTGCTGCCACTGC[G>A]CCTCTTCCTCTGGAATGCCGCGATCTCTTCCGTCTTAATCTTCAGGATCTTCTGCTGTTG-3'
Protein context (NP_940927.2, residues 882-902): EEIAAFQRKR[Arg892Cys]SGSNGSVVSL